The following is an entry in ClinVar:

ClinVar aggregate classification (germline): Uncertain significance. Review status: criteria provided, multiple submitters, no conflicts (2 of 4 stars). 2 submissions from 2 submitters: Uncertain significance (2). Last evaluated 2024-12-16.

Conditions:
LOXL3-related disorder. Also called: LOXL3-related condition.

Allele frequency attached by ClinVar (database versions not stated): ExAC 0.00001; gnomAD exomes below 0.00001.

Submissions (2):

PreventionGenetics, part of Exact Sciences
Classification: Uncertain significance for LOXL3-related condition. Last evaluated: 2024-12-16. Review status: criteria provided, single submitter. Criteria: ACMG Guidelines, 2015. Collection method: clinical testing. Allele origin: germline.
Comment: The LOXL3 c.634G>A variant is predicted to result in the amino acid substitution p.Val212Met. To our knowledge, this variant has not been reported in the literature. This variant is reported in 0.0029% of alleles in individuals of Latino descent in gnomAD. At this time, the clinical significance of this variant is uncertain due to the absence of conclusive functional and genetic evidence.

Labcorp Genetics (formerly Invitae), Labcorp
Classification: Uncertain significance. Last evaluated: 2021-12-29. Review status: criteria provided, single submitter. Criteria: Invitae Variant Classification Sherloc (09022015). Collection method: clinical testing. Allele origin: germline.
Comment: This variant has not been reported in the literature in individuals affected with LOXL3-related conditions. The frequency data for this variant in the population databases is considered unreliable, as metrics indicate poor data quality at this position in the gnomAD database. This sequence change replaces valine, which is neutral and non-polar, with methionine, which is neutral and non-polar, at codon 212 of the LOXL3 protein (p.Val212Met). Algorithms developed to predict the effect of missense changes on protein structure and function are either unavailable or do not agree on the potential impact of this missense change (SIFT: "Deleterious"; PolyPhen-2: "Probably Damaging"; Align-GVGD: "Class C15"). In summary, the available evidence is currently insufficient to determine the role of this variant in disease. Therefore, it has been classified as a Variant of Uncertain Significance.

NM_032603.5(LOXL3):c.634G>A (p.Val212Met)

Genes: DOK1 (docking protein 1; plus strand), LOXL3 (lysyl oxidase like 3; minus strand). Cytogenetic location: 2p13.1.
Variant type: single nucleotide variant.
Coding change: c.634G>A on transcript NM_032603.5 (MANE Select); coding-DNA position 634, G replaced by A.
Protein change: p.Val212Met; replaces valine 212 with methionine.
Molecular consequence: missense variant. On other transcripts: 5 prime UTR variant (1), intron variant (2).
Genome position (GRCh38, 1-based): chr2:74,549,427, C>T on the plus strand (G>A on the coding strand, the complement: LOXL3 is on the minus strand). VCF-style: chr2-74549427-C-T. GRCh37 (hg19) VCF-style: chr2-74776554-C-T.
Other names: c.-230G>A (NM_001289165.2); c.477+758G>A (NM_001289164.3); c.-358+255C>T (NM_001197260.2); short protein forms V212M.
Identifiers: ClinVar variation 2185332 (VCV002185332.3), dbSNP rs762502885, ClinGen allele CA1729131.